The following is an entry in ClinVar:

ClinVar aggregate classification (germline): Likely pathogenic (1 of 4 stars; one submission).

Conditions:
Harel-Yoon syndrome (HAYOS). Also called: Optic atrophy-peripheral neuropathy-developmental delay syndrome. Identifiers: Orphanet 496790, MedGen C4310677, MONDO:0014958, OMIM 617183.

Submission:

Illumina Laboratory Services, Illumina
Classification: Likely pathogenic for Harel-Yoon syndrome. Last evaluated: 2019-05-21. Review status: criteria provided, single submitter. Criteria: ICSLVariantClassificationCriteria RUGD 01 April 2020. Collection method: clinical testing. Allele origin: unknown.
Comment: The ATAD3A c.1108-1G>T variant occurs in a canonical splice site (acceptor) and is therefore predicted to disrupt or distort the normal gene product. A literature search was performed for the gene and cDNA change. No publications were found based on this search. This variant is not found in the Genome Aggregation Database in a region of good sequencing coverage, so the variant is presumed to be rare. Based on the predicted consequence of the variant, its rarity, and identification in trans with a pathogenic variant, the ATAD3A c.1108-1G>T variant is classified as likely pathogenic for Harel-Yoon syndrome.

NM_001170535.3(ATAD3A):c.964-1G>T

Gene: ATAD3A (ATPase family AAA domain containing 3A; plus strand). Cytogenetic location: 1p36.33.
Variant type: single nucleotide variant.
Coding change: c.964-1G>T on transcript NM_001170535.3 (MANE Select); the canonical splice acceptor site of the intron before coding-DNA position 964, G replaced by T.
Molecular consequence: splice acceptor variant.
Genome position (GRCh38, 1-based): chr1:1,523,838, G>T. VCF-style: chr1-1523838-G-T. GRCh37 (hg19) VCF-style: chr1-1459218-G-T.
Other names: c.1108-1G>T (NM_018188.5); c.727-1G>T (NM_001170536.3).
Identifiers: ClinVar variation 989289 (VCV000989289.4), dbSNP rs1641698007, ClinGen allele CA337857406.